The following is an entry in ClinVar:

ClinVar aggregate classification (germline): Pathogenic (1 of 4 stars; one submission).

Conditions:
Methylcobalamin deficiency type cblG (HMAG). Also called: HOMOCYSTINURIA-MEGALOBLASTIC ANEMIA, cblG TYPE; HOMOCYSTINURIA-MEGALOBLASTIC ANEMIA, cblG COMPLEMENTATION TYPE; Functional methionine synthase deficiency type cblG; HOMOCYSTINURIA-MEGALOBLASTIC ANEMIA DUE TO DEFECT IN COBALAMIN METABOLISM, cblG COMPLEMENTATION TYPE. Identifiers: Orphanet 2170, Orphanet 622, MedGen C1855128, MONDO:0009609, OMIM 250940.

Submission:

Centre for Mendelian Genomics, University Medical Centre Ljubljana
Classification: Pathogenic for Methylcobalamin deficiency type cblG. Last evaluated: 2019-06-26. Review status: criteria provided, single submitter. Criteria: ACMG Guidelines, 2015. Collection method: clinical testing. Allele origin: unknown. Affected: yes.
Comment: This variant was classified as: Pathogenic. The following ACMG criteria were applied in classifying this variant: PVS1,PM2,PP3.

NM_000254.3(MTR):c.610-1G>T

Gene: MTR (5-methyltetrahydrofolate-homocysteine methyltransferase; plus strand). Cytogenetic location: 1q43.
Variant type: single nucleotide variant.
Coding change: c.610-1G>T on transcript NM_000254.3 (MANE Select); the canonical splice acceptor site of the intron before coding-DNA position 610, G replaced by T.
Molecular consequence: splice acceptor variant.
Genome position (GRCh38, 1-based): chr1:236,815,603, G>T. VCF-style: chr1-236815603-G-T. GRCh37 (hg19) VCF-style: chr1-236978903-G-T.
Other names: c.610-1G>T (NM_001291939.1, NM_001410942.1); c.-499-1G>T (NM_001291940.2).
Identifiers: ClinVar variation 931542 (VCV000931542.3), dbSNP rs1661544157, ClinGen allele CA345385286.